The following is an entry in ClinVar:

NM_024063.3(AFG2B):c.675C>T (p.Ala225=)

Genes: AFG2B (AAA ATPase AFG2B; plus strand), LOC130056998 (ATAC-STARR-seq lymphoblastoid silent region 6408; plus strand). Cytogenetic location: 15q21.1.
Variant type: single nucleotide variant.
Coding change: c.675C>T on transcript NM_024063.3 (MANE Select); coding-DNA position 675, C replaced by T.
Protein change: p.Ala225=; no amino-acid change (alanine 225 retained).
Molecular consequence: synonymous variant. On other transcripts: non-coding transcript variant (5).
Genome position (GRCh38, 1-based): chr15:45,403,104, C>T. VCF-style: chr15-45403104-C-T. GRCh37 (hg19) VCF-style: chr15-45695302-C-T.
Other names: c.675C>T, p.Ala225= (NM_001323640.2).
Identifiers: ClinVar variation 2645306 (VCV002645306.24), dbSNP rs763902485, ClinGen allele CA7543199.
Genomic context (GRCh38, chr15:45,403,104, plus strand): 5'-TTCGGAGGCGGCCGACTCGCTGCGGGAGCTCCTCCGCCTCCCGCTCCGCTACCCGCGCGC[C>T]CTGACCGCGCTGGGCTTAGCGGTGCCTCGCGGGGTGCTCCTGGCGGGGCCCCCCGGAGTG-3'
Protein context (NP_076968.2, residues 215-235): LLRLPLRYPR[Ala225=]LTALGLAVPR

ClinVar aggregate classification (germline): Likely benign (1 of 4 stars; one submission).

Allele frequency attached by ClinVar (database versions not stated): gnomAD 0.00018; TOPMed 0.00021; ExAC 0.00106.
gnomAD v4.1: 268 of 1,519,666 alleles (0.018%); highest among the groups gnomAD compares: Middle Eastern, 0.02%; no homozygotes.

Submission:

CeGaT Center for Human Genetics Tuebingen
Classification: Likely benign. Last evaluated: 2023-05-01. Review status: criteria provided, single submitter. Criteria: CeGaT Center For Human Genetics Tuebingen Variant Classification Criteria Version 2. Collection method: clinical testing. Allele origin: germline. Affected: yes. Observed: 1 variant allele.
Comment: AFG2B: BP4, BP7